The following is an entry in ClinVar:

NM_000095.3(COMP):c.1668+13T>G

Gene: COMP (cartilage oligomeric matrix protein; minus strand). Cytogenetic location: 19p13.11.
Variant type: single nucleotide variant.
Coding change: c.1668+13T>G on transcript NM_000095.3 (MANE Select); 13 bases into the intron after coding-DNA position 1668, T replaced by G.
Molecular consequence: intron variant.
Genome position (GRCh38, 1-based): chr19:18,785,660, A>C on the plus strand (T>G on the coding strand, the complement: COMP is on the minus strand). VCF-style: chr19-18785660-A-C. GRCh37 (hg19) VCF-style: chr19-18896470-A-C.
Identifiers: ClinVar variation 328613 (VCV000328613.23), dbSNP rs74432818, ClinGen allele CA9316333.

ClinVar aggregate classification (germline): Benign. Review status: criteria provided, multiple submitters, no conflicts (2 of 4 stars). 5 submissions from 4 submitters: Benign (5). Last evaluated 2026-05-11.

Conditions:
Pseudoachondroplastic spondyloepiphyseal dysplasia syndrome (PSACH). Also called: COMP-Related Pseudoachondroplasia; PSEUDOACHONDROPLASTIC DYSPLASIA; Pseudoachondroplasia. Identifiers: Orphanet 750, MedGen C0410538, MONDO:0008322, OMIM 177170.
Multiple epiphyseal dysplasia type 1. Also called: COMP-Related Multiple Epiphyseal Dysplasia. Identifiers: Orphanet 93308, MedGen C1838280, MONDO:0007561, OMIM 132400.

Allele frequency attached by ClinVar (database versions not stated): 1000 Genomes Project 30x 0.00172; 1000 Genomes Project 0.00180; TOPMed 0.00414.
gnomAD v4.1: 10,080 of 1,613,142 alleles (0.62%); highest among the groups gnomAD compares: Non-Finnish European, 0.77%; 32 homozygotes.

Submissions (5):

Women's Health and Genetics/Laboratory Corporation of America, LabCorp
Classification: Benign. Last evaluated: 2026-05-11. Review status: criteria provided, single submitter. Criteria: LabCorp Variant Classification Summary - May 2015. Collection method: clinical testing. Allele origin: germline.

Labcorp Genetics (formerly Invitae), Labcorp
Classification: Benign. Last evaluated: 2026-01-24. Review status: criteria provided, single submitter. Criteria: Invitae Variant Classification Sherloc (09022015). Collection method: clinical testing. Allele origin: germline.

ARUP Laboratories, Molecular Genetics and Genomics, ARUP Laboratories
Classification: Benign. Last evaluated: 2022-03-10. Review status: criteria provided, single submitter. Criteria: ARUP Molecular Germline Variant Investigation Process 2021. Collection method: clinical testing. Allele origin: germline.

Illumina Laboratory Services, Illumina
Classification: Benign for Multiple epiphyseal dysplasia type 1. Last evaluated: 2018-01-12. Review status: criteria provided, single submitter. Criteria: ICSL Variant Classification Criteria 13 December 2019. Collection method: clinical testing. Allele origin: germline.
Comment: This variant was observed in the ICSL laboratory as part of a predisposition screen in an ostensibly healthy population. It had not been previously curated by ICSL or reported in the Human Gene Mutation Database (HGMD: prior to June 1st, 2018), and was therefore a candidate for classification through an automated scoring system. Utilizing variant allele frequency, disease prevalence and penetrance estimates, and inheritance mode, an automated score was calculated to assess if this variant is too frequent to cause the disease. Based on the score and internal cut-off values, a variant classified as benign is not then subjected to further curation. The score for this variant resulted in a classification of benign for this disease.

Illumina Laboratory Services, Illumina
Classification: Benign for Pseudoachondroplastic spondyloepiphyseal dysplasia syndrome. Last evaluated: 2018-01-12. Review status: criteria provided, single submitter. Criteria: ICSL Variant Classification Criteria 13 December 2019. Collection method: clinical testing. Allele origin: germline.
Comment: the same text as in the submission from Illumina Laboratory Services, Illumina above.